The following is an entry in ClinVar:

ClinVar aggregate classification (germline): Uncertain significance (1 of 4 stars; one submission).

Conditions:
Hereditary breast ovarian cancer syndrome. Also called: Hereditary breast and ovarian cancer syndrome; Hereditary breast and ovarian cancer syndrome (HBOC); Hereditary breast and/or ovarian cancer syndrome; Hereditary breast and ovarian cancer; Breast and ovarian cancer; BRCA1- and BRCA2-Associated Hereditary Breast and Ovarian Cancer. Identifiers: Orphanet 145, MedGen C0677776, MeSH D061325, MONDO:0003582. Disease mechanism: loss of function.

Submission:

Labcorp Genetics (formerly Invitae), Labcorp
Classification: Uncertain significance for Hereditary breast ovarian cancer syndrome. Last evaluated: 2024-01-12. Review status: criteria provided, single submitter. Criteria: Invitae Variant Classification Sherloc (09022015). Collection method: clinical testing. Allele origin: germline.
Comment: This sequence change replaces serine, which is neutral and polar, with glycine, which is neutral and non-polar, at codon 663 of the BRCA1 protein (p.Ser663Gly). This variant is not present in population databases (gnomAD no frequency). This variant has not been reported in the literature in individuals affected with BRCA1-related conditions. Advanced modeling of protein sequence and biophysical properties (such as structural, functional, and spatial information, amino acid conservation, physicochemical variation, residue mobility, and thermodynamic stability) performed at Invitae indicates that this missense variant is not expected to disrupt BRCA1 protein function with a negative predictive value of 95%. In summary, the available evidence is currently insufficient to determine the role of this variant in disease. Therefore, it has been classified as a Variant of Uncertain Significance.

NM_007294.4(BRCA1):c.1987A>G (p.Ser663Gly)

Gene: BRCA1 (BRCA1 DNA repair associated; minus strand). Cytogenetic location: 17q21.31.
Variant type: single nucleotide variant.
Coding change: c.1987A>G on transcript NM_007294.4 (MANE Select); coding-DNA position 1987, A replaced by G.
Protein change: p.Ser663Gly; replaces serine 663 with glycine.
Molecular consequence: missense variant. On other transcripts: intron variant (137).
Genome position (GRCh38, 1-based): chr17:43,093,544, T>C on the plus strand (A>G on the coding strand, the complement: BRCA1 is on the minus strand). VCF-style: chr17-43093544-T-C. GRCh37 (hg19) VCF-style: chr17-41245561-T-C.
Other names: c.1774A>G, p.Ser592Gly (NM_001407853.1, NM_001407571.1, NM_001407894.1 and 9 more transcripts); c.1987A>G, p.Ser663Gly (NM_001407854.1, NM_001407858.1, NM_001407859.1 and 30 more transcripts); c.1984A>G, p.Ser662Gly (NM_001407860.1, NM_001407861.1, NM_001407587.1 and 22 more transcripts); c.1786A>G, p.Ser596Gly (NM_001407862.1); c.1783A>G, p.Ser595Gly (NM_001407874.1, NM_001407875.1); c.1864A>G, p.Ser622Gly (NM_001407863.1, NM_001407648.1, NM_001407664.1 and 19 more transcripts); c.1777A>G, p.Ser593Gly (NM_001407879.1, NM_001407881.1, NM_001407882.1 and 13 more transcripts); c.520+1200A>G (NM_001408503.1, NM_001408505.1, NM_001408504.1); and 40 more; short protein forms S535G, S615G, S552G, S575G, S596G, S660G, S367G, S495G.
Identifiers: ClinVar variation 2708709 (VCV002708709.3), dbSNP rs2154405959, ClinGen allele CA10598041.
Genomic context (GRCh38, chr17:43,093,544, plus strand): 5'-TGTTACTCTTCTTGGCTCCAGTTGCAGGTTCTTTACCTTCCATGAGTTGTAGGTTTCTGC[T>C]GTGCCTGACTGGCATTTGGTTGTACTTTTTTTTCTTTATCTCTTCACTGCTAGAACAACT-3'
Protein context (NP_009225.1, residues 653-673): KKYNQMPVRH[Ser663Gly]RNLQLMEGKE